The following is an entry in ClinVar:

NM_147127.5(EVC2):c.3239del (p.Lys1080fs)

Gene: EVC2 (EvC ciliary complex subunit 2; minus strand). Cytogenetic location: 4p16.2.
Variant type: Deletion.
Coding change: c.3239del on transcript NM_147127.5 (MANE Select); coding-DNA position 3239, one base deleted (A; older notation c.3239delA).
Protein change: p.Lys1080fs; shifts the reading frame from lysine 1080.
Molecular consequence: frameshift variant.
Genome position (GRCh38, 1-based): chr4:5,576,273, T deleted on the plus strand (A on the coding strand, the reverse complement: EVC2 is on the minus strand); the first of 2 consecutive T bases (chr4:5,576,273-5,576,274); deleting either gives the same sequence. VCF-style (leftmost placement, unchanged base first): chr4-5576272-CT-C. GRCh37 (hg19) VCF-style: chr4-5577999-CT-C.
Other names: c.2999del, p.Lys1000fs (NM_001166136.2); short protein forms K1000fs, K1080fs.
Identifiers: ClinVar variation 1400468 (VCV001400468.9), dbSNP rs1291275281, ClinGen allele CA796442134.

ClinVar aggregate classification (germline): Pathogenic/Likely pathogenic. Review status: criteria provided, multiple submitters, no conflicts (2 of 4 stars). 3 submissions from 3 submitters: Pathogenic (1); Likely pathogenic (2). Last evaluated 2024-05-02.

Conditions:
Curry-Hall syndrome (WAD). Also called: WEYERS ACRODENTAL DYSOSTOSIS. Identifiers: Orphanet 952, MedGen C0457013, MONDO:0008673, OMIM 193530.
Ellis-van Creveld syndrome (EVC). Also called: Chondroectodermal dysplasia; MESOECTODERMAL DYSPLASIA. Identifiers: Orphanet 289, MedGen C0013903, MONDO:0009162, OMIM 225500.
EVC2-related disorders.

Submissions (3):

Labcorp Genetics (formerly Invitae), Labcorp
Classification: Pathogenic for Curry-Hall syndrome; Ellis-van Creveld syndrome. Last evaluated: 2024-05-02. Review status: criteria provided, single submitter. Criteria: Invitae Variant Classification Sherloc (09022015). Collection method: clinical testing. Allele origin: germline.
Comment: This sequence change creates a premature translational stop signal (p.Lys1080Argfs*13) in the EVC2 gene. It is expected to result in an absent or disrupted protein product. Loss-of-function variants in EVC2 are known to be pathogenic (PMID: 17024374, 19810119, 19876929). This variant is not present in population databases (gnomAD no frequency). This variant has not been reported in the literature in individuals affected with EVC2-related conditions. ClinVar contains an entry for this variant (Variation ID: 1400468). Algorithms developed to predict the effect of sequence changes on RNA splicing suggest that this variant may disrupt the consensus splice site. For these reasons, this variant has been classified as Pathogenic.

Fulgent Genetics
Classification: Likely pathogenic for Curry-Hall syndrome; Ellis-van Creveld syndrome. Last evaluated: 2024-04-25. Review status: criteria provided, single submitter. Criteria: ACMG Guidelines, 2015. Collection method: clinical testing. Allele origin: germline.

Blueprint Genetics
Classification: Likely pathogenic for EVC2-related disorders. Last evaluated: 2021-09-06. Review status: criteria provided, single submitter. Criteria: ACMG Guidelines, 2015. Collection method: clinical testing. Allele origin: germline. Affected: yes. Observed: 1 variant allele.

Literature cited by the submitters: PubMed 17024374 (cited by Labcorp Genetics (formerly Invitae), Labcorp); PubMed 19810119 (cited by Labcorp Genetics (formerly Invitae), Labcorp); PubMed 19876929 (cited by Labcorp Genetics (formerly Invitae), Labcorp).